The following is an entry in ClinVar:

NM_004006.3(DMD):c.6118-13T>G

Gene: DMD (dystrophin; minus strand). Cytogenetic location: Xp21.1.
Variant type: single nucleotide variant.
Coding change: c.6118-13T>G on transcript NM_004006.3 (MANE Select); 13 bases into the intron before coding-DNA position 6118, T replaced by G.
Molecular consequence: intron variant.
Genome position (GRCh38, 1-based): chrX:32,287,714, A>C on the plus strand (T>G on the coding strand, the complement: DMD is on the minus strand). VCF-style: chrX-32287714-A-C. GRCh37 (hg19) VCF-style: chrX-32305831-A-C.
Other names: c.6094-13T>G (NM_000109.4); c.2095-13T>G (NM_004011.4); c.2086-13T>G (NM_004012.4); c.6106-13T>G (NM_004009.3); c.5749-13T>G (NM_004010.3).
Identifiers: ClinVar variation 228593 (VCV000228593.13), dbSNP rs750033728, ClinGen allele CA10577164.
Genomic context (GRCh38, chrX:32,287,714, plus strand): 5'-AATAATGTCAATCCGACCTGAGCTTTGTTGTAGACTATCTTTTATATTCTGTAATATAAA[A>C]ATTTTAAAACAGTAAAAAAATGAATTAGCTGTCTATAGAAAGAGAAAAATATATATATAT-3'

ClinVar aggregate classification (germline): Conflicting classifications of pathogenicity. Review status: criteria provided, conflicting classifications (1 of 4 stars). 3 submissions from 3 submitters: Uncertain significance (1); Likely benign (2). Last evaluated 2025-12-11.

Conditions:
Duchenne muscular dystrophy (DMD). Also called: MUSCULAR DYSTROPHY, PSEUDOHYPERTROPHIC PROGRESSIVE, DUCHENNE TYPE; Duchenne Muscular Dystrophy (DMD). Identifiers: Orphanet 98896, MedGen C0013264, MONDO:0010679, OMIM 310200.

Allele frequency attached by ClinVar (database versions not stated): gnomAD exomes 0.00002 and 0.00003; gnomAD 0.00004; TOPMed 0.00004; 1000 Genomes Project 0.00026; 1000 Genomes Project 30x 0.00042.
gnomAD v4.1: 35 of 1,138,140 alleles (0.0031%); highest among the groups gnomAD compares: African/African-American, 0.0055%; no homozygotes.

Submissions (3):

Labcorp Genetics (formerly Invitae), Labcorp
Classification: Likely benign for Duchenne muscular dystrophy. Last evaluated: 2025-12-11. Review status: criteria provided, single submitter. Criteria: Invitae Variant Classification Sherloc (09022015). Collection method: clinical testing. Allele origin: germline.

Women's Health and Genetics/Laboratory Corporation of America, LabCorp
Classification: Likely benign. Last evaluated: 2023-08-19. Review status: criteria provided, single submitter. Criteria: LabCorp Variant Classification Summary - May 2015. Collection method: clinical testing. Allele origin: germline.

Laboratory for Molecular Medicine, Mass General Brigham Personalized Medicine
Classification: Uncertain significance. Last evaluated: 2015-09-09. Review status: criteria provided, single submitter. Criteria: LMM Criteria. Collection method: clinical testing. Allele origin: germline. Observed: 1 variant allele.
Comment: The c.6118-13T>G variant in DMD has not been previously reported in individuals with cardiomyopathy. Data from large population studies is insufficient to asses s the frequency of this variant but the variant has been identified in 1/160 of European chromosomes by the 1000 Genomes Project (dbSNP rs750033728). This varia nt is located in the 3' splice region. Computational tools do not suggest an imp act to splicing. However, this information is not predictive enough to rule out pathogenicity. In summary, the clinical significance of the c.6118-13T>G variant is uncertain.